The following is an entry in ClinVar:

ClinVar aggregate classification (germline): Likely pathogenic (1 of 4 stars; one submission).

Conditions:
CPA6-related disorder. Also called: CPA6-related condition.

Submission:

Daryl Scott Lab, Baylor College of Medicine
Classification: Likely pathogenic for CPA6-related disorder. Last evaluated: 2024-01-01. Review status: criteria provided, single submitter. Criteria: ACMG Guidelines, 2015. Collection method: clinical testing. Allele origin: maternal. Affected: yes. Observed: 1 heterozygote.
Comment: PVS1, PM2

NM_020361.5(CPA6):c.383del (p.Arg128fs)

Gene: CPA6 (carboxypeptidase A6; minus strand). Cytogenetic location: 8q13.2.
Variant type: Deletion.
Coding change: c.383del on transcript NM_020361.5 (MANE Select); coding-DNA position 383, one base deleted (G; older notation c.383delG).
Protein change: p.Arg128fs; shifts the reading frame from arginine 128.
Molecular consequence: frameshift variant.
Genome position (GRCh38, 1-based): chr8:67,511,590, C deleted on the plus strand (G on the coding strand, the reverse complement: CPA6 is on the minus strand). VCF-style (leftmost placement, unchanged base first): chr8-67511589-TC-T. GRCh37 (hg19) VCF-style: chr8-68423824-TC-T.
Other names: short protein forms R128fs.
Identifiers: ClinVar variation 3764549 (VCV003764549.1).